The following is an entry in ClinVar:

ClinVar aggregate classification (germline): Likely benign. Review status: criteria provided, single submitter (1 of 4 stars). 2 submissions from 2 submitters: Likely benign (1). 1 of the submissions does not count toward it. Last evaluated 2023-04-30.

Conditions:
SDCCAG8-related disorder. Also called: SDCCAG8-Related Disorders; SDCCAG8-related condition.
Bardet-Biedl syndrome 16 (BBS16). Identifiers: Orphanet 110, MedGen C3889474, MONDO:0014444, OMIM 615993.
Senior-Loken syndrome 7 (SLSN7). Identifiers: Orphanet 3156, MedGen C3150877, MONDO:0013326, OMIM 613615.

Allele frequency attached by ClinVar (database versions not stated): gnomAD exomes below 0.00001; TOPMed 0.00002; gnomAD 0.00003.
gnomAD v4.1: 9 of 1,586,048 alleles (0.00057%); highest among the groups gnomAD compares: African/African-American, 0.0027%; no homozygotes.

Submissions (2):

Labcorp Genetics (formerly Invitae), Labcorp
Classification: Likely benign for Bardet-Biedl syndrome 16; Senior-Loken syndrome 7. Last evaluated: 2023-04-30. Review status: criteria provided, single submitter. Criteria: Invitae Variant Classification Sherloc (09022015). Collection method: clinical testing. Allele origin: germline.

PreventionGenetics, part of Exact Sciences
Classification: Likely benign for SDCCAG8-related condition. Last evaluated: 2019-06-03. Review status: no assertion criteria provided. Collection method: clinical testing. Allele origin: germline. Not counted in ClinVar's aggregate classification.
Comment: This variant is classified as likely benign based on ACMG/AMP sequence variant interpretation guidelines (Richards et al. 2015 PMID: 25741868, with internal and published modifications).

NM_006642.5(SDCCAG8):c.1745-8A>T

Gene: SDCCAG8 (SHH signaling and ciliogenesis regulator SDCCAG8; plus strand). Cytogenetic location: 1q43.
Variant type: single nucleotide variant.
Coding change: c.1745-8A>T on transcript NM_006642.5 (MANE Select); 8 bases into the intron before coding-DNA position 1745, A replaced by T.
Molecular consequence: intron variant.
Genome position (GRCh38, 1-based): chr1:243,417,960, A>T. VCF-style: chr1-243417960-A-T. GRCh37 (hg19) VCF-style: chr1-243581262-A-T.
Other names: c.1745-8A>T (NM_006642.3); c.1451-8A>T (NM_001350249.2); c.842-8A>T (NM_001350251.2, NM_001350246.2, NM_001350247.2); c.1841-8A>T (NM_001350248.2).
Identifiers: ClinVar variation 2937386 (VCV002937386.4), dbSNP rs971078363, ClinGen allele CA41008783.
Genomic context (GRCh38, chr1:243,417,960, plus strand): 5'-GTATGGAAGCACTGCAGAGCGACAACCATAAACATCTTATGTTGGTGGGGGTTTATTGTT[A>T]TTTCTAGAAAATGAACAGTATTTGTTGCTGACCTCCCAGAATACATTTTTGACAAAGTTA-3'